The following is an entry in ClinVar:

NM_201384.3(PLEC):c.1304C>T (p.Ala435Val)

Gene: PLEC (plectin; minus strand). Cytogenetic location: 8q24.3.
Variant type: single nucleotide variant.
Coding change: c.1304C>T on transcript NM_201384.3 (MANE Select); coding-DNA position 1304, C replaced by T.
Protein change: p.Ala435Val; replaces alanine 435 with valine.
Molecular consequence: missense variant.
Genome position (GRCh38, 1-based): chr8:143,933,311, G>A on the plus strand (C>T on the coding strand, the complement: PLEC is on the minus strand). VCF-style: chr8-143933311-G-A. GRCh37 (hg19) VCF-style: chr8-145007479-G-A.
Other names: c.1385C>T, p.Ala462Val (NM_000445.5); c.1262C>T, p.Ala421Val (NM_201378.4); c.1238C>T, p.Ala413Val (NM_201379.3); c.1715C>T, p.Ala572Val (NM_201380.4); c.1208C>T, p.Ala403Val (NM_201381.3); c.1304C>T, p.Ala435Val (NM_201382.4); c.1316C>T, p.Ala439Val (NM_201383.3); short protein forms A435V, A421V, A439V, A403V, A572V, A413V, A462V.
Identifiers: ClinVar variation 839098 (VCV000839098.13), dbSNP rs782509734, ClinGen allele CA4928023.
Genomic context (GRCh38, chr8:143,933,311, plus strand): 5'-TCGTTGAAGAGCAGCCGGATCATGCTATCCGCCTTGTCCAAGTCCCGTTCCACCTCCCCC[G>A]CCCGCTGTGGCACTTTGCCTGCAGCCAGCAGCCGGACATCCTGCAAGGTCGTTGCCATGA-3'
Protein context (NP_958786.1, residues 425-445): LLAAGKVPQR[Ala435Val]GEVERDLDKA

ClinVar aggregate classification (germline): Conflicting classifications of pathogenicity. Review status: criteria provided, conflicting classifications (1 of 4 stars). 5 submissions from 5 submitters: Uncertain significance (3); Likely benign (2). Last evaluated 2025-06-29.

Conditions:
PLEC-related disorder. Also called: PLEC-related condition; PLEC-related disorders.
Autosomal recessive limb-girdle muscular dystrophy type 2Q (LGMDR17). Also called: MUSCULAR DYSTROPHY, LIMB-GIRDLE, AUTOSOMAL RECESSIVE 17. Identifiers: Orphanet 254361, MedGen C3150989, MONDO:0013390, OMIM 613723.
Epidermolysis bullosa simplex, Ogna type (EBS5A). Also called: Pidermolysis bullosa simplex 5A, Ogna type; EPIDERMOLYSIS BULLOSA SIMPLEX 5A, OGNA TYPE. Identifiers: Orphanet 79401, MedGen C0432317, MONDO:0007555, OMIM 131950.
Epidermolysis bullosa simplex with nail dystrophy (EBS5D). Identifiers: MedGen C4225309, MONDO:0014661, OMIM 616487.
Epidermolysis bullosa simplex 5C, with pyloric atresia (EBS5C). Also called: PLEC-Related Epidermolysis Bullosa with Pyloric Atresia; Epidermolysis bullosa simplex with pyloric atresia; PLEC1-Related Epidermolysis Bullosa with Pyloric Atresia. Identifiers: Orphanet 158684, MedGen C2677349, MONDO:0012807, OMIM 612138.
Epidermolysis bullosa simplex 5B, with muscular dystrophy (EBS5B). Also called: EPIDERMOLYSIS BULLOSA SIMPLEX AND LIMB-GIRDLE MUSCULAR DYSTROPHY; Epidermolysis bullosa simplex with muscular dystrophy. Identifiers: Orphanet 257, MedGen C2931072, MONDO:0009181, OMIM 226670.

Allele frequency attached by ClinVar (database versions not stated): gnomAD 0.00002 and 0.00001; TOPMed 0.00002.
gnomAD v4.1: 46 of 1,612,420 alleles (0.0029%); highest among the groups gnomAD compares: Admixed American, 0.0033%; no homozygotes.

Submissions (5):

Labcorp Genetics (formerly Invitae), Labcorp
Classification: Uncertain significance for Autosomal recessive limb-girdle muscular dystrophy type 2Q; Epidermolysis bullosa simplex, Ogna type; Epidermolysis bullosa simplex with nail dystrophy; Epidermolysis bullosa simplex 5C, with pyloric atresia; Epidermolysis bullosa simplex 5B, with muscular dystrophy. Last evaluated: 2025-06-29. Review status: criteria provided, single submitter. Criteria: Invitae Variant Classification Sherloc (09022015). Collection method: clinical testing. Allele origin: germline.
Comment: This sequence change replaces alanine, which is neutral and non-polar, with valine, which is neutral and non-polar, at codon 462 of the PLEC protein (p.Ala462Val). This variant is present in population databases (rs782509734, gnomAD 0.006%). This variant has not been reported in the literature in individuals affected with PLEC-related conditions. ClinVar contains an entry for this variant (Variation ID: 839098). Experimental studies and prediction algorithms are not available or were not evaluated, and the functional significance of this variant is currently unknown. In summary, the available evidence is currently insufficient to determine the role of this variant in disease. Therefore, it has been classified as a Variant of Uncertain Significance.

PreventionGenetics, part of Exact Sciences
Classification: Uncertain significance for PLEC-related condition. Last evaluated: 2025-01-15. Review status: criteria provided, single submitter. Criteria: ACMG Guidelines, 2015. Collection method: clinical testing. Allele origin: germline.
Comment: The PLEC c.1385C>T variant is predicted to result in the amino acid substitution p.Ala462Val. To our knowledge, this variant has not been reported in the literature. This variant is reported in 0.0057% of alleles in individuals of Latino descent in gnomAD. At this time, the clinical significance of this variant is uncertain due to the absence of conclusive functional and genetic evidence.

Blueprint Genetics
Classification: Likely benign. Last evaluated: 2024-11-17. Review status: criteria provided, single submitter. Criteria: ACMG Guidelines, 2015. Collection method: clinical testing. Allele origin: germline.

Revvity Omics, Revvity
Classification: Uncertain significance. Last evaluated: 2019-04-04. Review status: criteria provided, single submitter. Criteria: ACMG Guidelines, 2015. Collection method: clinical testing. Allele origin: germline.

GeneDx
Classification: Likely benign. Last evaluated: 2018-11-29. Review status: criteria provided, single submitter. Criteria: GeneDx Variant Classification Process June 2021. Collection method: clinical testing. Allele origin: germline. Affected: yes.